The following is an entry in ClinVar:

NM_000088.4(COL1A1):c.2614-2A>G

Gene: COL1A1 (collagen type I alpha 1 chain; minus strand). Cytogenetic location: 17q21.33.
Variant type: single nucleotide variant.
Coding change: c.2614-2A>G on transcript NM_000088.4 (MANE Select); the canonical splice acceptor site of the intron before coding-DNA position 2614, A replaced by G.
Molecular consequence: splice acceptor variant.
Genome position (GRCh38, 1-based): chr17:50,189,734, T>C on the plus strand (A>G on the coding strand, the complement: COL1A1 is on the minus strand). VCF-style: chr17-50189734-T-C. GRCh37 (hg19) VCF-style: chr17-48267095-T-C.
Identifiers: ClinVar variation 1454933 (VCV001454933.8), dbSNP rs2144551661, ClinGen allele CA400207151.

ClinVar aggregate classification (germline): Pathogenic (1 of 4 stars; one submission).

Conditions:
Osteogenesis imperfecta type I (OI1). Also called: Lobstein disease; Classic Non-deforming Osteogenesis Imperfecta with Blue Sclerae; OI, TYPE I; OSTEOGENESIS IMPERFECTA TARDA; OSTEOGENESIS IMPERFECTA WITH BLUE SCLERAE; Osteogenesis imperfecta type 1. Identifiers: Orphanet 216796, Orphanet 666, MedGen C0023931, MONDO:0008146, OMIM 166200. Disease mechanism: loss of function.

Submission:

Labcorp Genetics (formerly Invitae), Labcorp
Classification: Pathogenic for Osteogenesis imperfecta type I. Last evaluated: 2021-07-25. Review status: criteria provided, single submitter. Criteria: Invitae Variant Classification Sherloc (09022015). Collection method: clinical testing. Allele origin: germline.
Comment: This variant has been observed in individual(s) with clinical features of osteogenesis imperfecta (Invitae). This variant is not present in population databases (ExAC no frequency). This sequence change affects an acceptor splice site in intron 37 of the COL1A1 gene. It is expected to disrupt RNA splicing. Variants that disrupt the donor or acceptor splice site typically lead to a loss of protein function (PMID: 16199547), and loss-of-function variants in COL1A1 are known to be pathogenic (PMID: 7942841, 9295084, 9443882). Algorithms developed to predict the effect of sequence changes on RNA splicing suggest that this variant may disrupt the consensus splice site, but this prediction has not been confirmed by published transcriptional studies. For these reasons, this variant has been classified as Pathogenic.

Literature cited by the submitters: PubMed 16199547; PubMed 7942841; PubMed 9295084; PubMed 9443882.